The following is an entry in ClinVar:

ClinVar aggregate classification (germline): Likely benign (0 of 4 stars; one submission).

Conditions:
KCNH2-related disorder. Also called: KCNH2-related condition; KCNH2-related disorders.

Allele frequency attached by ClinVar (database versions not stated): gnomAD exomes 0.00003; ESP Exome Variant Server 0.00015; gnomAD 0.00025; TOPMed 0.00035.

Submission:

PreventionGenetics, part of Exact Sciences
Classification: Likely benign for KCNH2-related condition. Last evaluated: 2019-12-09. Review status: no assertion criteria provided. Collection method: clinical testing. Allele origin: germline.
Comment: This variant is classified as likely benign based on ACMG/AMP sequence variant interpretation guidelines (Richards et al. 2015 PMID: 25741868, with internal and published modifications).

NM_000238.4(KCNH2):c.2398+278C>T

Gene: KCNH2 (potassium voltage-gated channel subfamily H member 2; minus strand). Cytogenetic location: 7q36.1.
Variant type: single nucleotide variant.
Coding change: c.2398+278C>T on transcript NM_000238.4 (MANE Select); 278 bases into the intron after coding-DNA position 2398, C replaced by T.
Molecular consequence: intron variant. On other transcripts: 3 prime UTR variant (5).
Genome position (GRCh38, 1-based): chr7:150,949,890, G>A on the plus strand (C>T on the coding strand, the complement: KCNH2 is on the minus strand). VCF-style: chr7-150949890-G-A. GRCh37 (hg19) VCF-style: chr7-150646978-G-A.
Other names: c.*9C>T (NM_001204798.2, NM_001406755.1, NM_001406756.1 and 2 more transcripts); c.2110+278C>T (NM_001406753.1); c.1378+278C>T (NM_172057.3).
Identifiers: ClinVar variation 3048201 (VCV003048201.2), dbSNP rs367677769, ClinGen allele CA169075431.